The following is an entry in ClinVar:

NM_014625.4(NPHS2):c.725C>T (p.Ala242Val)

Gene: NPHS2 (NPHS2 stomatin family member, podocin; minus strand). Cytogenetic location: 1q25.2.
Variant type: single nucleotide variant.
Coding change: c.725C>T on transcript NM_014625.4 (MANE Select); coding-DNA position 725, C replaced by T.
Protein change: p.Ala242Val; replaces alanine 242 with valine.
Molecular consequence: missense variant. On other transcripts: intron variant (1).
Genome position (GRCh38, 1-based): chr1:179,557,040, G>A on the plus strand (C>T on the coding strand, the complement: NPHS2 is on the minus strand). VCF-style: chr1-179557040-G-A. GRCh37 (hg19) VCF-style: chr1-179526175-G-A.
Other names: c.535-2509C>T (NM_001297575.2); short protein forms A242V.
Identifiers: ClinVar variation 260429 (VCV000260429.25), dbSNP rs61747727, ClinGen allele CA1267144.
Genomic context (GRCh38, chr1:179,557,040, plus strand): 5'-AAAAGATAAATATTTCAGCATATTGGCCATTATGTTTATCTAAGTACCTTTGCATCTTGG[G>A]CGATGCTCTTCCTCTCTAGAAGAATTTCAGTGAGGGATCGATGTGCTAGGAGACGCTTCA-3'
Protein context (NP_055440.1, residues 232-252): TEILLERKSI[Ala242Val]QDAKVALDSV

ClinVar aggregate classification (germline): Conflicting classifications of pathogenicity. Review status: criteria provided, conflicting classifications (1 of 4 stars). 11 submissions from 11 submitters: Uncertain significance (1); Benign (9). 1 of the submissions does not count toward it. Last evaluated 2026-02-01.

Conditions:
Focal segmental glomerulosclerosis (FSGS). Also called: Glomerulosclerosis, focal; Focal sclerosis with hyalinosis. Identifiers: MedGen C0017668, MONDO:0100313, HP:0000097. Disease mechanism: loss of function.
Nephrotic syndrome, type 2 (NPHS2). Also called: NEPHROTIC SYNDROME, STEROID-RESISTANT, AUTOSOMAL RECESSIVE. Identifiers: Orphanet 656, MedGen C1868672, MONDO:0010974, OMIM 600995.
Steroid-resistant nephrotic syndrome. Identifiers: MedGen C0403397, MONDO:0044765, HP:0012588.

Allele frequency attached by ClinVar (database versions not stated): gnomAD exomes 0.00189 and 0.00536; ExAC 0.00707; 1000 Genomes Project 30x 0.02030; 1000 Genomes Project 0.02057; gnomAD 0.02064 and 0.02224; TOPMed 0.02406; ESP Exome Variant Server 0.02414.
gnomAD v4.1: 6,016 of 1,613,414 alleles (0.37%); highest among the groups gnomAD compares: African/African-American, 7.1%; 209 homozygotes.

Submissions (11):

Labcorp Genetics (formerly Invitae), Labcorp
Classification: Benign. Last evaluated: 2026-02-01. Review status: criteria provided, single submitter. Criteria: Invitae Variant Classification Sherloc (09022015). Collection method: clinical testing. Allele origin: germline.

Blueprint Genetics
Classification: Benign. Last evaluated: 2024-11-26. Review status: criteria provided, single submitter. Criteria: ACMG Guidelines, 2015. Collection method: clinical testing. Allele origin: germline.

Mayo Clinic Laboratories, Mayo Clinic
Classification: Benign. Last evaluated: 2023-03-29. Review status: criteria provided, single submitter. Criteria: ACMG Guidelines, 2015. Collection method: clinical testing. Allele origin: germline. Observed: 6 variant alleles.
Comment: BA1, BS2

Genome Diagnostics Laboratory, The Hospital for Sick Children
Classification: Benign for Focal segmental glomerulosclerosis. Last evaluated: 2022-03-14. Review status: criteria provided, single submitter. Criteria: ACMG Guidelines, 2015. Collection method: clinical testing. Allele origin: germline.

GeneDx
Classification: Benign. Last evaluated: 2020-12-19. Review status: criteria provided, single submitter. Criteria: GeneDx Variant Classification Process June 2021. Collection method: clinical testing. Allele origin: germline. Affected: yes.
Comment: This variant is associated with the following publications: (PMID: 32691731, 30450462, 26211502, 12707396, 20981092)

Institute of Human Genetics, University of Leipzig Medical Center
Classification: Uncertain significance for Nephrotic syndrome, type 2. Last evaluated: 2019-01-01. Review status: criteria provided, single submitter. Criteria: ACMG Guidelines, 2015. Collection method: clinical testing. Allele origin: unknown. Affected: no.

Women's Health and Genetics/Laboratory Corporation of America, LabCorp
Classification: Benign. Last evaluated: 2018-11-02. Review status: criteria provided, single submitter. Criteria: LabCorp Variant Classification Summary - May 2015. Collection method: clinical testing. Allele origin: germline.
Comment: Variant summary: NPHS2 c.725C>T (p.Ala242Val) results in a non-conservative amino acid change located in the Band 7 domain of the encoded protein sequence. Four of five in-silico tools predict a damaging effect of the variant on protein function. The variant allele was found at a frequency of 0.0069 in 276216 control chromosomes, predominantly within the African subpopulation at a frequency of 0.073 in the gnomAD database, including 67 homozygotes. The observed variant frequency within African control individuals in the gnomAD database is approximately 41-fold above the estimated maximal expected allele frequency for a pathogenic variant in NPHS2 causing Nephrotic Syndrome, Type 2 phenotype (0.0018), strongly suggesting that the variant is a benign polymorphism found primarily in populations of African origin. One clinical diagnostic laboratory has submitted clinical-significance assessments for this variant to ClinVar after 2014 without evidence for independent evaluation and classified the variant as benign. Based on the evidence outlined above, the variant was classified as benign.

Athena Diagnostics
Classification: Benign. Last evaluated: 2018-06-19. Review status: criteria provided, single submitter. Criteria: Athena Diagnostics Criteria. Collection method: clinical testing. Allele origin: germline.

Illumina Laboratory Services, Illumina
Classification: Benign for Nephrotic syndrome, type 2. Last evaluated: 2017-04-28. Review status: criteria provided, single submitter. Criteria: ICSL Variant Classification Criteria 13 December 2019. Collection method: clinical testing. Allele origin: germline.
Comment: This variant was observed as part of a predisposition screen in an ostensibly healthy population. A literature search was performed for the gene, cDNA change, and amino acid change (where applicable). Publications were found based on this search. The evidence from the literature, in combination with allele frequency data from public databases where available, was sufficient to rule this variant out of causing disease. Therefore, this variant is classified as benign.

PreventionGenetics, part of Exact Sciences
Classification: Benign. Review status: criteria provided, single submitter. Criteria: ACMG Guidelines, 2015. Collection method: clinical testing. Allele origin: germline.

Natera, Inc.
Classification: Benign for Steroid-resistant nephrotic syndrome. Last evaluated: 2020-09-16. Review status: no assertion criteria provided. Collection method: clinical testing. Allele origin: germline. Not counted in ClinVar's aggregate classification.

Literature cited by the submitters: PubMed 12707396 (cited by 3 submitters); PubMed 26211502 (cited by Mayo Clinic Laboratories, Mayo Clinic); PubMed 30450462 (cited by Mayo Clinic Laboratories, Mayo Clinic); PubMed 32691731 (cited by Mayo Clinic Laboratories, Mayo Clinic); PubMed 15253708 (cited by Athena Diagnostics); PubMed 17942957 (cited by Athena Diagnostics and Illumina Laboratory Services, Illumina); PubMed 18823551 (cited by Athena Diagnostics and Illumina Laboratory Services, Illumina); PubMed 16481888 (cited by Illumina Laboratory Services, Illumina).